The following is an entry in ClinVar:

NM_032383.5(HPS3):c.1845T>A (p.Tyr615Ter)

Gene: HPS3 (HPS3 biogenesis of lysosomal organelles complex 2 subunit 1; plus strand). Cytogenetic location: 3q24.
Variant type: single nucleotide variant.
Coding change: c.1845T>A on transcript NM_032383.5 (MANE Select); coding-DNA position 1845, T replaced by A.
Protein change: p.Tyr615Ter; replaces tyrosine 615 with a stop codon.
Molecular consequence: nonsense.
Genome position (GRCh38, 1-based): chr3:149,158,819, T>A. VCF-style: chr3-149158819-T-A. GRCh37 (hg19) VCF-style: chr3-148876606-T-A.
Other names: c.1350T>A, p.Tyr450Ter (NM_001308258.2); short protein forms Y615*, Y450*.
Identifiers: ClinVar variation 2108359 (VCV002108359.4), dbSNP rs2473110523, ClinGen allele CA354922859.

ClinVar aggregate classification (germline): Pathogenic (1 of 4 stars; one submission).

Submission:

Labcorp Genetics (formerly Invitae), Labcorp
Classification: Pathogenic. Last evaluated: 2022-03-10. Review status: criteria provided, single submitter. Criteria: Invitae Variant Classification Sherloc (09022015). Collection method: clinical testing. Allele origin: germline.
Comment: This variant is not present in population databases (gnomAD no frequency). This sequence change creates a premature translational stop signal (p.Tyr615*) in the HPS3 gene. It is expected to result in an absent or disrupted protein product. Loss-of-function variants in HPS3 are known to be pathogenic (PMID: 11590544). This variant has not been reported in the literature in individuals affected with HPS3-related conditions. For these reasons, this variant has been classified as Pathogenic.

Literature cited by the submitters: PubMed 11590544.